The following is an entry in ClinVar:

ClinVar aggregate classification (germline): Likely pathogenic (1 of 4 stars; one submission).

Submission:

GeneDx
Classification: Likely pathogenic. Last evaluated: 2023-06-12. Review status: criteria provided, single submitter. Criteria: GeneDx Variant Classification Process June 2021. Collection method: clinical testing. Allele origin: germline. Affected: yes.
Comment: Canonical splice site variant predicted to result in an in-frame loss of the adjacent exon in a gene for which loss of function is a known mechanism of disease; Not observed at significant frequency in large population cohorts (gnomAD); Has not been previously published as pathogenic or benign to our knowledge

NM_001048166.1(STIL):c.785+1_785+3del

Gene: STIL (STIL centriolar assembly protein; minus strand). Cytogenetic location: 1p33.
Variant type: Deletion.
Coding change: c.785+1_785+3del on transcript NM_001048166.1 (MANE Select); the canonical splice donor site of the intron after coding-DNA position 785 through 3 bases into the intron after coding-DNA position 785, 3 bases deleted (GTA; older notation c.785+1_785+3delGTA).
Molecular consequence: splice donor variant.
Genome position (GRCh38, 1-based): chr1:47,295,762-47,295,764, TAC deleted on the plus strand (GTA on the coding strand, the reverse complement: STIL is on the minus strand). VCF-style (leftmost placement, unchanged base first): chr1-47295761-TTAC-T. GRCh37 (hg19) VCF-style: chr1-47761433-TTAC-T.
Other names: c.644+1_644+3del (NM_001377417.1, NM_001282939.1, NM_001282938.1); c.785+1_785+3del (NM_003035.2, NM_001282937.1, NM_001282936.1).
Identifiers: ClinVar variation 2504292 (VCV002504292.2), dbSNP rs2524859378, ClinGen allele CA2574360803.